The following is an entry in ClinVar:

ClinVar aggregate classification (germline): Uncertain significance (1 of 4 stars; one submission).

Submission:

GeneDx
Classification: Uncertain significance. Last evaluated: 2022-10-05. Review status: criteria provided, single submitter. Criteria: GeneDx Variant Classification Process June 2021. Collection method: clinical testing. Allele origin: germline. Affected: yes.
Comment: Nonsense variant predicted to result in protein truncation or nonsense mediated decay in a gene or region of a gene for which loss of function is not a well-established mechanism of disease; Not observed at significant frequency in large population cohorts (gnomAD); Has not been previously published as pathogenic or benign to our knowledge

NM_001394062.1(MACF1):c.13732C>T (p.Gln4578Ter)

Gene: MACF1 (microtubule actin crosslinking factor 1; plus strand). Cytogenetic location: 1p34.3.
Variant type: single nucleotide variant.
Coding change: c.13732C>T on transcript NM_001394062.1 (MANE Select); coding-DNA position 13732, C replaced by T.
Protein change: p.Gln4578Ter; replaces glutamine 4578 with a stop codon.
Molecular consequence: nonsense.
Genome position (GRCh38, 1-based): chr1:39,382,036, C>T. VCF-style: chr1-39382036-C-T. GRCh37 (hg19) VCF-style: chr1-39847708-C-T.
Other names: c.7546C>T, p.Gln2516Ter (NM_012090.5); short protein forms Q2516*, Q4578*.
Identifiers: ClinVar variation 2498022 (VCV002498022.1), dbSNP rs866857690, ClinGen allele CA20938567.